The following is an entry in ClinVar:

NM_006231.4(POLE):c.3324C>G (p.His1108Gln)

Gene: POLE (DNA polymerase epsilon, catalytic subunit; minus strand). Cytogenetic location: 12q24.33.
Variant type: single nucleotide variant.
Coding change: c.3324C>G on transcript NM_006231.4 (MANE Select); coding-DNA position 3324, C replaced by G.
Protein change: p.His1108Gln; replaces histidine 1108 with glutamine.
Molecular consequence: missense variant.
Genome position (GRCh38, 1-based): chr12:132,657,922, G>C on the plus strand (C>G on the coding strand, the complement: POLE is on the minus strand). VCF-style: chr12-132657922-G-C. GRCh37 (hg19) VCF-style: chr12-133234508-G-C.
Other names: short protein forms H1108Q.
Identifiers: ClinVar variation 4743191 (VCV004743191.1).

ClinVar aggregate classification (germline): Uncertain significance (1 of 4 stars; one submission).

gnomAD v4.1: 1 of 1,614,142 alleles (0.000062%); highest among the groups gnomAD compares: Non-Finnish European, 0.000085%; no homozygotes.

Submission:

Labcorp Genetics (formerly Invitae), Labcorp
Classification: Uncertain significance. Last evaluated: 2025-02-27. Review status: criteria provided, single submitter. Criteria: Invitae Variant Classification Sherloc (09022015). Collection method: clinical testing. Allele origin: germline.
Comment: This sequence change replaces histidine, which is basic and polar, with glutamine, which is neutral and polar, at codon 1108 of the POLE protein (p.His1108Gln). This variant is not present in population databases (gnomAD no frequency). This variant has not been reported in the literature in individuals affected with POLE-related conditions. Invitae Evidence Modeling of protein sequence and biophysical properties (such as structural, functional, and spatial information, amino acid conservation, physicochemical variation, residue mobility, and thermodynamic stability) indicates that this missense variant is not expected to disrupt POLE protein function with a negative predictive value of 80%. In summary, the available evidence is currently insufficient to determine the role of this variant in disease. Therefore, it has been classified as a Variant of Uncertain Significance.